The following is an entry in ClinVar:

ClinVar aggregate classification (germline): Uncertain significance. Review status: criteria provided, multiple submitters, no conflicts (2 of 4 stars). 3 submissions from 3 submitters: Uncertain significance (3). Last evaluated 2025-09-11.

Conditions:
Hereditary cancer-predisposing syndrome. Also called: Hereditary Cancer Syndrome; Hereditary neoplastic syndrome; Neoplastic Syndromes, Hereditary; Tumor predisposition. Identifiers: Orphanet 140162, MedGen C0027672, MeSH D009386, MONDO:0015356.

Allele frequency attached by ClinVar (database versions not stated): gnomAD exomes below 0.00001; TOPMed below 0.00001; gnomAD 0.00001.
gnomAD v4.1: 6 of 1,613,922 alleles (0.00037%); highest among the groups gnomAD compares: Non-Finnish European, 0.00042%; no homozygotes.

Submissions (3):

Labcorp Genetics (formerly Invitae), Labcorp
Classification: Uncertain significance. Last evaluated: 2025-09-11. Review status: criteria provided, single submitter. Criteria: Invitae Variant Classification Sherloc (09022015). Collection method: clinical testing. Allele origin: germline.
Comment: This sequence change replaces arginine, which is basic and polar, with tryptophan, which is neutral and slightly polar, at codon 1136 of the POLE protein (p.Arg1136Trp). This variant is present in population databases (no rsID available, gnomAD 0.007%). This missense change has been observed in individual(s) with pancreatic cancer (PMID: 32826389). This variant is also known as c.C3325T (p.R1109W). ClinVar contains an entry for this variant (Variation ID: 405632). Invitae Evidence Modeling of protein sequence and biophysical properties (such as structural, functional, and spatial information, amino acid conservation, physicochemical variation, residue mobility, and thermodynamic stability) indicates that this missense variant is expected to disrupt POLE protein function with a positive predictive value of 80%. In summary, the available evidence is currently insufficient to determine the role of this variant in disease. Therefore, it has been classified as a Variant of Uncertain Significance.

Ambry Genetics
Classification: Uncertain significance for Hereditary cancer-predisposing syndrome. Last evaluated: 2024-12-17. Review status: criteria provided, single submitter. Criteria: Ambry Variant Classification Scheme 2023. Collection method: clinical testing. Allele origin: germline.
Comment: The p.R1136W variant (also known as c.3406C>T), located in coding exon 28 of the POLE gene, results from a C to T substitution at nucleotide position 3406. The arginine at codon 1136 is replaced by tryptophan, an amino acid with dissimilar properties. This amino acid position is highly conserved in available vertebrate species. In addition, the in silico prediction for this alteration is inconclusive. Based on the available evidence, the clinical significance of this variant remains unclear.

Institute for Clinical Genetics, University Hospital TU Dresden, University Hospital TU Dresden
Classification: Uncertain significance. Last evaluated: 2021-11-03. Review status: criteria provided, single submitter. Criteria: ACMG Guidelines, 2015. Collection method: clinical testing. Allele origin: germline.

Literature cited by the submitters: PubMed 32826389 (cited by Labcorp Genetics (formerly Invitae), Labcorp).

NM_006231.4(POLE):c.3406C>T (p.Arg1136Trp)

Gene: POLE (DNA polymerase epsilon, catalytic subunit; minus strand). Cytogenetic location: 12q24.33.
Variant type: single nucleotide variant.
Coding change: c.3406C>T on transcript NM_006231.4 (MANE Select); coding-DNA position 3406, C replaced by T.
Protein change: p.Arg1136Trp; replaces arginine 1136 with tryptophan.
Molecular consequence: missense variant.
Genome position (GRCh38, 1-based): chr12:132,657,402, G>A on the plus strand (C>T on the coding strand, the complement: POLE is on the minus strand). VCF-style: chr12-132657402-G-A. GRCh37 (hg19) VCF-style: chr12-133233988-G-A.
Other names: c.3406C>T (NM_006231.2); short protein forms R1136W.
Identifiers: ClinVar variation 405632 (VCV000405632.14), dbSNP rs531475854, ClinGen allele CA16613674.